The following is an entry in ClinVar:

ClinVar aggregate classification (germline): Uncertain significance. Review status: criteria provided, multiple submitters, no conflicts (2 of 4 stars). 2 submissions from 2 submitters: Uncertain significance (2). Last evaluated 2025-03-20.

Conditions:
Inborn genetic diseases. Identifiers: MedGen C0950123, MeSH D030342.

Allele frequency attached by ClinVar (database versions not stated): 1000 Genomes Project 30x 0.00016.
gnomAD v4.1: 449 of 1,613,394 alleles (0.028%); highest among the groups gnomAD compares: Non-Finnish European, 0.036%; no homozygotes.

Submissions (2):

Ambry Genetics
Classification: Uncertain significance for Inborn genetic diseases. Last evaluated: 2025-03-20. Review status: criteria provided, single submitter. Criteria: Ambry Variant Classification Scheme 2023. Collection method: clinical testing. Allele origin: germline.

Labcorp Genetics (formerly Invitae), Labcorp
Classification: Uncertain significance. Last evaluated: 2022-10-05. Review status: criteria provided, single submitter. Criteria: Invitae Variant Classification Sherloc (09022015). Collection method: clinical testing. Allele origin: germline.
Comment: This sequence change replaces valine, which is neutral and non-polar, with leucine, which is neutral and non-polar, at codon 2220 of the RTTN protein (p.Val2220Leu). This variant is present in population databases (rs201561378, gnomAD 0.02%). This variant has not been reported in the literature in individuals affected with RTTN-related conditions. Algorithms developed to predict the effect of missense changes on protein structure and function output the following: SIFT: "Tolerated"; PolyPhen-2: "Benign"; Align-GVGD: "Class C0". The leucine amino acid residue is found in multiple mammalian species, which suggests that this missense change does not adversely affect protein function. Algorithms developed to predict the effect of sequence changes on RNA splicing suggest that this variant may create or strengthen a splice site. In summary, the available evidence is currently insufficient to determine the role of this variant in disease. Therefore, it has been classified as a Variant of Uncertain Significance.

NM_173630.4(RTTN):c.6658G>C (p.Val2220Leu)

Gene: RTTN (rotatin; minus strand). Cytogenetic location: 18q22.2.
Variant type: single nucleotide variant.
Coding change: c.6658G>C on transcript NM_173630.4 (MANE Select); coding-DNA position 6658, G replaced by C.
Protein change: p.Val2220Leu; replaces valine 2220 with leucine.
Molecular consequence: missense variant.
Genome position (GRCh38, 1-based): chr18:70,004,174, C>G on the plus strand (G>C on the coding strand, the complement: RTTN is on the minus strand). VCF-style: chr18-70004174-C-G. GRCh37 (hg19) VCF-style: chr18-67671410-C-G.
Other names: c.3922G>C, p.Val1308Leu (NM_001318520.2); c.6658G>C (NM_173630.3); short protein forms V1308L, V2220L.
Identifiers: ClinVar variation 2154818 (VCV002154818.3), dbSNP rs201561378, ClinGen allele CA8994592.